The following is an entry in ClinVar:

NM_022725.4(FANCF):c.138G>A (p.Arg46=)

Gene: FANCF (FA complementation group F; minus strand). Cytogenetic location: 11p14.3.
Variant type: single nucleotide variant.
Coding change: c.138G>A on transcript NM_022725.4 (MANE Select); coding-DNA position 138, G replaced by A.
Protein change: p.Arg46=; no amino-acid change (arginine 46 retained).
Molecular consequence: synonymous variant.
Genome position (GRCh38, 1-based): chr11:22,625,673, C>T on the plus strand (G>A on the coding strand, the complement: FANCF is on the minus strand). VCF-style: chr11-22625673-C-T. GRCh37 (hg19) VCF-style: chr11-22647219-C-T.
Identifiers: ClinVar variation 4874309 (VCV004874309.2).

ClinVar aggregate classification (germline): Likely benign (1 of 4 stars; one submission).

Submission:

CeGaT Center for Human Genetics Tuebingen
Classification: Likely benign. Last evaluated: 2026-04-01. Review status: criteria provided, single submitter. Criteria: CeGaT Center For Human Genetics Tuebingen Variant Classification Criteria Version 2. Collection method: clinical testing. Allele origin: germline. Affected: yes. Observed: 1 variant allele.
Comment: FANCF: PM2:Supporting, BP4, BP7